The following is an entry in ClinVar:

ClinVar aggregate classification (germline): Likely pathogenic (1 of 4 stars; one submission).

Conditions:
Brittle cornea syndrome 1 (BCS1). Also called: CORNEAL FRAGILITY, KERATOGLOBUS, BLUE SCLERAE, JOINT HYPEREXTENSIBILITY; EDS6B; FRAGILITAS OCULI WITH JOINT HYPEREXTENSIBILITY; Corneal fragility keratoglobus, blue sclerae AND joint hypermobility; DYSGENESIS MESODERMALIS CORNEAE ET SCLERAE. Identifiers: Orphanet 90354, MedGen C0268344, MONDO:0024543, OMIM 229200.

Allele frequency attached by ClinVar (database versions not stated): gnomAD 0.00001.
gnomAD v4.1: 9 of 1,548,956 alleles (0.00058%); highest among the groups gnomAD compares: African/African-American, 0.0014%; no homozygotes.

Submission:

Women's Health and Genetics/Laboratory Corporation of America, LabCorp
Classification: Likely pathogenic for Brittle cornea syndrome 1. Last evaluated: 2021-12-21. Review status: criteria provided, single submitter. Criteria: LabCorp Variant Classification Summary - May 2015. Collection method: clinical testing. Allele origin: germline.
Comment: Variant summary: ZNF469 c.10707C>A (p.Cys3569X), located in the last exon (exon 3) results in a premature termination codon, predicted to cause a truncation of the encoded protein or absence of the protein due to nonsense mediated decay, which are commonly known mechanisms for disease. Truncations downstream of this position have not been classified as pathogenic by our laboratory, however, at-least one other frameshifting loss of function variant (c.10751delC, p.Pro3584Glnfs*136) has been reported with a phenotype of Brittle Cornea syndrome in the HGMD database. The variant allele was found at a frequency of 1.3e-05 in 152694 control chromosomes. To our knowledge, no occurrence of c.10707C>A in individuals affected with Brittle Cornea Syndrome 1 and no experimental evidence demonstrating its impact on protein function have been reported. No clinical diagnostic laboratories have submitted clinical-significance assessments for this variant to ClinVar after 2014. Based on the evidence outlined above, the variant was classified as likely pathogenic.

NM_001367624.2(ZNF469):c.10707C>A (p.Cys3569Ter)

Gene: ZNF469 (zinc finger protein 469; plus strand). Cytogenetic location: 16q24.2.
Variant type: single nucleotide variant.
Coding change: c.10707C>A on transcript NM_001367624.2 (MANE Select); coding-DNA position 10707, C replaced by A.
Protein change: p.Cys3569Ter; replaces cysteine 3569 with a stop codon.
Molecular consequence: nonsense.
Genome position (GRCh38, 1-based): chr16:88,438,177, C>A. VCF-style: chr16-88438177-C-A. GRCh37 (hg19) VCF-style: chr16-88504585-C-A.
Other names: short protein forms C3569*.
Identifiers: ClinVar variation 1331466 (VCV001331466.1), dbSNP rs760186083, ClinGen allele CA286387114.